The following is an entry in ClinVar:

ClinVar aggregate classification (germline): Uncertain significance (1 of 4 stars; one submission).

Submission:

Labcorp Genetics (formerly Invitae), Labcorp
Classification: Uncertain significance. Last evaluated: 2022-07-19. Review status: criteria provided, single submitter. Criteria: Invitae Variant Classification Sherloc (09022015). Collection method: clinical testing. Allele origin: germline.
Comment: In summary, the available evidence is currently insufficient to determine the role of this variant in disease. Therefore, it has been classified as a Variant of Uncertain Significance. Algorithms developed to predict the effect of missense changes on protein structure and function are either unavailable or do not agree on the potential impact of this missense change (SIFT: "Tolerated"; PolyPhen-2: "Probably Damaging"; Align-GVGD: "Class C0"). ClinVar contains an entry for this variant (Variation ID: 1040226). This variant has not been reported in the literature in individuals affected with EYS-related conditions. This variant is not present in population databases (gnomAD no frequency). This sequence change replaces serine, which is neutral and polar, with tyrosine, which is neutral and polar, at codon 1811 of the EYS protein (p.Ser1811Tyr).

NM_001142800.2(EYS):c.5432C>A (p.Ser1811Tyr)

Gene: EYS (EGF-like photoreceptor maintenance factor; minus strand). Cytogenetic location: 6q12.
Variant type: single nucleotide variant.
Coding change: c.5432C>A on transcript NM_001142800.2 (MANE Select); coding-DNA position 5432, C replaced by A.
Protein change: p.Ser1811Tyr; replaces serine 1811 with tyrosine.
Molecular consequence: missense variant.
Genome position (GRCh38, 1-based): chr6:64,590,435, G>T on the plus strand (C>A on the coding strand, the complement: EYS is on the minus strand). VCF-style: chr6-64590435-G-T. GRCh37 (hg19) VCF-style: chr6-65300328-G-T.
Other names: c.5432C>A, p.Ser1811Tyr (NM_001292009.2); short protein forms S1811Y.
Identifiers: ClinVar variation 1040226 (VCV001040226.8), dbSNP rs1766367191, ClinGen allele CA364781124.
Genomic context (GRCh38, chr6:64,590,435, plus strand): 5'-ACCTCTTTTTTAAGAGAGGTCATATAATCTGTAAAATATGGCCAATCTGGCCTAATTACA[G>T]ACATGGAGGAAGACGTCTGTATTGAAAGTGCTGGAGTTGCTGAAACTGTATAAAATGCAA-3'
Protein context (NP_001136272.1, residues 1801-1821): ALSIQTSSSM[Ser1811Tyr]VIRPDWPYFT